The following is an entry in ClinVar:

ClinVar aggregate classification (germline): Uncertain significance. Review status: criteria provided, multiple submitters, no conflicts (2 of 4 stars). 3 submissions from 3 submitters: Uncertain significance (3). Last evaluated 2024-08-12.

Conditions:
Inborn genetic diseases. Identifiers: MedGen C0950123, MeSH D030342.
Primary ciliary dyskinesia 33. Also called: CILIARY DYSKINESIA, PRIMARY, 33, WITHOUT SITUS INVERSUS. Identifiers: Orphanet 244, MedGen C4225230, MONDO:0014750, OMIM 616726.

Allele frequency attached by ClinVar (database versions not stated): gnomAD exomes 0.00006; ExAC 0.00012; gnomAD 0.00032 and 0.00034; TOPMed 0.00034; 1000 Genomes Project 0.00040; ESP Exome Variant Server 0.00046; 1000 Genomes Project 30x 0.00047.
gnomAD v4.1: 89 of 1,613,480 alleles (0.0055%); highest among the groups gnomAD compares: African/African-American, 0.1%; no homozygotes.

Submissions (3):

Labcorp Genetics (formerly Invitae), Labcorp
Classification: Uncertain significance for Primary ciliary dyskinesia 33. Last evaluated: 2024-08-12. Review status: criteria provided, single submitter. Criteria: Invitae Variant Classification Sherloc (09022015). Collection method: clinical testing. Allele origin: germline.
Comment: This sequence change replaces alanine, which is neutral and non-polar, with proline, which is neutral and non-polar, at codon 460 of the GAS8 protein (p.Ala460Pro). This variant is present in population databases (rs142296775, gnomAD 0.1%). This variant has not been reported in the literature in individuals affected with GAS8-related conditions. ClinVar contains an entry for this variant (Variation ID: 842274). An algorithm developed to predict the effect of missense changes on protein structure and function (PolyPhen-2) suggests that this variant¬†is likely to be tolerated. In summary, the available evidence is currently insufficient to determine the role of this variant in disease. Therefore, it has been classified as a Variant of Uncertain Significance.

Fulgent Genetics
Classification: Uncertain significance for Primary ciliary dyskinesia 33. Last evaluated: 2024-05-23. Review status: criteria provided, single submitter. Criteria: ACMG Guidelines, 2015. Collection method: clinical testing. Allele origin: germline.

Ambry Genetics
Classification: Uncertain significance for Inborn genetic diseases. Last evaluated: 2022-01-05. Review status: criteria provided, single submitter. Criteria: Ambry Variant Classification Scheme 2023. Collection method: clinical testing. Allele origin: germline.

NM_001481.3(DRC4):c.1378G>C (p.Ala460Pro)

Gene: DRC4 (dynein regulatory complex subunit 4; plus strand). Cytogenetic location: 16q24.3.
Variant type: single nucleotide variant.
Coding change: c.1378G>C on transcript NM_001481.3 (MANE Select); coding-DNA position 1378, G replaced by C.
Protein change: p.Ala460Pro; replaces alanine 460 with proline.
Molecular consequence: missense variant. On other transcripts: non-coding transcript variant (1).
Genome position (GRCh38, 1-based): chr16:90,043,286, G>C. VCF-style: chr16-90043286-G-C. GRCh37 (hg19) VCF-style: chr16-90109694-G-C.
Other names: c.1129G>C, p.Ala377Pro (NM_001286205.2); c.802G>C, p.Ala268Pro (NM_001286208.2); c.1303G>C, p.Ala435Pro (NM_001286209.2); short protein forms A435P, A377P, A460P, A268P.
Identifiers: ClinVar variation 842274 (VCV000842274.11), dbSNP rs142296775, ClinGen allele CA8258251.